The following is an entry in ClinVar:

NM_201384.3(PLEC):c.9141C>G (p.Asp3047Glu)

Gene: PLEC (plectin; minus strand). Cytogenetic location: 8q24.3.
Variant type: single nucleotide variant.
Coding change: c.9141C>G on transcript NM_201384.3 (MANE Select); coding-DNA position 9141, C replaced by G.
Protein change: p.Asp3047Glu; replaces aspartic acid 3047 with glutamic acid.
Molecular consequence: missense variant.
Genome position (GRCh38, 1-based): chr8:143,920,680, G>C on the plus strand (C>G on the coding strand, the complement: PLEC is on the minus strand). VCF-style: chr8-143920680-G-C. GRCh37 (hg19) VCF-style: chr8-144994848-G-C.
Other names: c.9222C>G, p.Asp3074Glu (NM_000445.5); c.5841C>G, p.Asp1947Glu (NM_001410941.1); c.9099C>G, p.Asp3033Glu (NM_201378.4); c.9075C>G, p.Asp3025Glu (NM_201379.3); c.9552C>G, p.Asp3184Glu (NM_201380.4); c.9045C>G, p.Asp3015Glu (NM_201381.3); c.9141C>G, p.Asp3047Glu (NM_201382.4); c.9153C>G, p.Asp3051Glu (NM_201383.3); short protein forms D1947E, D3025E, D3051E, D3074E, D3184E, D3015E, D3047E, D3033E.
Identifiers: ClinVar variation 1935304 (VCV001935304.5), dbSNP rs1402714303, ClinGen allele CA372513653.

ClinVar aggregate classification (germline): Uncertain significance (1 of 4 stars; one submission).

Conditions:
Epidermolysis bullosa simplex with nail dystrophy (EBS5D). Identifiers: MedGen C4225309, MONDO:0014661, OMIM 616487.
Epidermolysis bullosa simplex 5B, with muscular dystrophy (EBS5B). Also called: Epidermolysis bullosa simplex with muscular dystrophy; EPIDERMOLYSIS BULLOSA SIMPLEX AND LIMB-GIRDLE MUSCULAR DYSTROPHY. Identifiers: Orphanet 257, MedGen C2931072, MONDO:0009181, OMIM 226670.
Epidermolysis bullosa simplex, Ogna type (EBS5A). Also called: EPIDERMOLYSIS BULLOSA SIMPLEX 5A, OGNA TYPE; Pidermolysis bullosa simplex 5A, Ogna type. Identifiers: Orphanet 79401, MedGen C0432317, MONDO:0007555, OMIM 131950.
Epidermolysis bullosa simplex 5C, with pyloric atresia (EBS5C). Also called: PLEC-Related Epidermolysis Bullosa with Pyloric Atresia; Epidermolysis bullosa simplex with pyloric atresia; PLEC1-Related Epidermolysis Bullosa with Pyloric Atresia. Identifiers: Orphanet 158684, MedGen C2677349, MONDO:0012807, OMIM 612138.
Autosomal recessive limb-girdle muscular dystrophy type 2Q (LGMDR17). Also called: MUSCULAR DYSTROPHY, LIMB-GIRDLE, AUTOSOMAL RECESSIVE 17. Identifiers: Orphanet 254361, MedGen C3150989, MONDO:0013390, OMIM 613723.

gnomAD v4.1: 2 of 1,603,122 alleles (0.00012%); no homozygotes.

Submission:

Labcorp Genetics (formerly Invitae), Labcorp
Classification: Uncertain significance for Autosomal recessive limb-girdle muscular dystrophy type 2Q; Epidermolysis bullosa simplex, Ogna type; Epidermolysis bullosa simplex with nail dystrophy; Epidermolysis bullosa simplex 5C, with pyloric atresia; Epidermolysis bullosa simplex 5B, with muscular dystrophy. Last evaluated: 2025-06-12. Review status: criteria provided, single submitter. Criteria: Invitae Variant Classification Sherloc (09022015). Collection method: clinical testing. Allele origin: germline.
Comment: This sequence change replaces aspartic acid, which is acidic and polar, with glutamic acid, which is acidic and polar, at codon 3074 of the PLEC protein (p.Asp3074Glu). This variant is not present in population databases (gnomAD no frequency). This variant has not been reported in the literature in individuals affected with PLEC-related conditions. ClinVar contains an entry for this variant (Variation ID: 1935304). An algorithm developed to predict the effect of missense changes on protein structure and function outputs the following: PolyPhen-2: "Benign". The glutamic acid amino acid residue is found in multiple mammalian species, which suggests that this missense change does not adversely affect protein function. In summary, the available evidence is currently insufficient to determine the role of this variant in disease. Therefore, it has been classified as a Variant of Uncertain Significance.